The following is an entry in ClinVar:

NM_000384.3(APOB):c.1985A>G (p.Asp662Gly)

Gene: APOB (apolipoprotein B; minus strand). Cytogenetic location: 2p24.1.
Variant type: single nucleotide variant.
Coding change: c.1985A>G on transcript NM_000384.3 (MANE Select); coding-DNA position 1985, A replaced by G.
Protein change: p.Asp662Gly; replaces aspartic acid 662 with glycine.
Molecular consequence: missense variant.
Genome position (GRCh38, 1-based): chr2:21,027,910, T>C on the plus strand (A>G on the coding strand, the complement: APOB is on the minus strand). VCF-style: chr2-21027910-T-C. GRCh37 (hg19) VCF-style: chr2-21250782-T-C.
Other names: short protein forms D662G.
Identifiers: ClinVar variation 3231381 (VCV003231381.1), dbSNP rs748957788, ClinGen allele CA346013610.

ClinVar aggregate classification (germline): Uncertain significance (1 of 4 stars; one submission).

Conditions:
Cardiovascular phenotype. Identifiers: MedGen CN230736.

Allele frequency attached by ClinVar (database versions not stated): TOPMed 0.00001.

Submission:

Ambry Genetics
Classification: Uncertain significance for Cardiovascular phenotype. Last evaluated: 2023-10-29. Review status: criteria provided, single submitter. Criteria: Ambry Variant Classification Scheme 2023. Collection method: clinical testing. Allele origin: germline.
Comment: The p.D662G variant (also known as c.1985A>G), located in coding exon 14 of the APOB gene, results from an A to G substitution at nucleotide position 1985. The aspartic acid at codon 662 is replaced by glycine, an amino acid with similar properties. This amino acid position is conserved. In addition, the in silico prediction for this alteration is inconclusive. Since supporting evidence is limited at this time, the clinical significance of this alteration remains unclear.